The following is an entry in ClinVar:

NM_007294.4(BRCA1):c.861CAG[1] (p.Ser289del)

Gene: BRCA1 (BRCA1 DNA repair associated; minus strand). Cytogenetic location: 17q21.31.
Variant type: Microsatellite.
Coding change: c.861CAG[1] on transcript NM_007294.4 (MANE Select); one copy of the 3-base unit CAG starting at c.861; the reference has two copies in a row; one copy, 3 bases deleted.
Protein change: p.Ser289del; deletes serine 289.
Molecular consequence: inframe deletion. On other transcripts: 5 prime UTR variant (2), inframe indel (1), intron variant (137).
Genome position (GRCh38, 1-based): chr17:43,094,665-43,094,667, CTG deleted on the plus strand (CAG on the coding strand, the reverse complement: BRCA1 is on the minus strand); deleting any 3 consecutive bases within chr17:43,094,665-43,094,670 gives the same sequence; the position shown is the placement nearest the transcript's 3' end. VCF-style (leftmost placement, unchanged base first): chr17-43094664-ACTG-A. GRCh37 (hg19) VCF-style: chr17-41246681-ACTG-A.
Other names: 983del3; c.864_866delCAG (NM_007294.3); c.858CAG[1], p.Ser288del (NM_001407591.1, NM_001407610.1, NM_001407611.1 and 22 more transcripts); c.861CAG[1], p.Ser289del (NM_001407593.1, NM_001407594.1, NM_001407596.1 and 30 more transcripts); c.852CAG[1], p.Ser286del (NM_001407646.1, NM_001407647.1); c.738CAG[1], p.Ser248del (NM_001407648.1, NM_001407664.1, NM_001407665.1 and 19 more transcripts); c.735CAG[1], p.Ser247del (NM_001407649.1, NM_001407670.1, NM_001407671.1 and 11 more transcripts); c.783CAG[1], p.Ser263del (NM_001407653.1, NM_001407654.1, NM_001407655.1 and 4 more transcripts); and 43 more; short protein forms S289del, S242del, S121del, S200del, S201del, S222del, S248del, S263del.
Identifiers: ClinVar variation 252892 (VCV000252892.5), dbSNP rs879255497, ClinGen allele CA10586120.

ClinVar aggregate classification (germline): Uncertain significance. Review status: criteria provided, single submitter (1 of 4 stars). 2 submissions from 2 submitters: Uncertain significance (1). 1 of the submissions does not count toward it. Last evaluated 2023-04-14.

Conditions:
Hereditary cancer-predisposing syndrome. Also called: Hereditary Cancer Syndrome; Neoplastic Syndromes, Hereditary; Hereditary neoplastic syndrome; Tumor predisposition. Identifiers: Orphanet 140162, MedGen C0027672, MeSH D009386, MONDO:0015356.
Breast-ovarian cancer, familial, susceptibility to, 1 (BROVCA1). Also called: BRCA1 Hereditary Breast and Ovarian Cancer; OVARIAN CANCER, SUSCEPTIBILITY TO. Identifiers: Orphanet 145, MedGen C2676676, MONDO:0011450, OMIM 604370. Disease mechanism: loss of function.

Submissions (2):

Ambry Genetics
Classification: Uncertain significance for Hereditary cancer-predisposing syndrome. Last evaluated: 2023-04-14. Review status: criteria provided, single submitter. Criteria: Ambry Variant Classification Scheme 2023. Collection method: clinical testing. Allele origin: germline.
Comment: The c.864_866delCAG variant (also known as p.S289del) is located in coding exon 9 of the BRCA1 gene. This variant results from an in-frame CAG deletion at nucleotide positions 864 to 866. This results in the in-frame deletion of a serine at codon 289. This amino acid position is highly conserved in available vertebrate species. In addition, this alteration is predicted to be deleterious by in silico analysis (Choi Y et al. PLoS ONE. 2012; 7(10):e46688). Since supporting evidence is limited at this time, the clinical significance of this alteration remains unclear.

Sharing Clinical Reports Project (SCRP)
Classification: Uncertain significance for Breast-ovarian cancer, familial 1. Last evaluated: 2010-04-28. Review status: no assertion criteria provided. Collection method: clinical testing. Allele origin: germline. Not counted in ClinVar's aggregate classification.